The following is an entry in ClinVar:

ClinVar aggregate classification (germline): Pathogenic/Likely pathogenic. Review status: criteria provided, multiple submitters, no conflicts (2 of 4 stars). 3 submissions from 3 submitters: Pathogenic (2); Likely pathogenic (1). Last evaluated 2025-02-01.

Conditions:
Medulloblastoma (MDB). Also called: Medulloblastoma, somatic; MEDULLOBLASTOMA PREDISPOSITION SYNDROME. Identifiers: Orphanet 616, MedGen C0025149, MeSH D008527, MONDO:0007959, OMIM 155255, HP:0002885.

Allele frequency attached by ClinVar (database versions not stated): gnomAD exomes below 0.00001.

Submissions (3):

CeGaT Center for Human Genetics Tuebingen
Classification: Pathogenic. Last evaluated: 2025-02-01. Review status: criteria provided, single submitter. Criteria: CeGaT Center For Human Genetics Tuebingen Variant Classification Criteria Version 2. Collection method: clinical testing. Allele origin: germline. Affected: yes. Observed: 1 variant allele.
Comment: ELP1: PVS1, PM2

Institute of Medical Genetics and Applied Genomics, University Hospital Tübingen
Classification: Likely pathogenic for Medulloblastoma. Last evaluated: 2024-06-04. Review status: criteria provided, single submitter. Criteria: ACMG Guidelines, 2015. Collection method: clinical testing. Allele origin: germline. Inheritance: Autosomal dominant inheritance. Affected: yes.

Labcorp Genetics (formerly Invitae), Labcorp
Classification: Pathogenic. Last evaluated: 2018-05-14. Review status: criteria provided, single submitter. Criteria: Invitae Variant Classification Sherloc (09022015). Collection method: clinical testing. Allele origin: germline.
Comment: This sequence change creates a premature translational stop signal (p.Val424Cysfs*14) in the IKBKAP gene. It is expected to result in an absent or disrupted protein product. This variant is not present in population databases (ExAC no frequency). This variant has not been reported in the literature in individuals with IKBKAP-related disease. Loss-of-function variants in IKBKAP are known to be pathogenic (PMID: 18303054). For these reasons, this variant has been classified as Pathogenic.

Literature cited by the submitters: PubMed 18303054 (cited by Labcorp Genetics (formerly Invitae), Labcorp).

NM_003640.5(ELP1):c.1269dup (p.Val424fs)

Gene: ELP1 (elongator acetyltransferase complex subunit 1; minus strand). Cytogenetic location: 9q31.3.
Variant type: Duplication.
Coding change: c.1269dup on transcript NM_003640.5 (MANE Select); coding-DNA position 1269, one base duplicated (T; older notation c.1269dupT).
Protein change: p.Val424fs; shifts the reading frame from valine 424.
Molecular consequence: frameshift variant.
Genome position (GRCh38, 1-based): chr9:108,911,101, A duplicated on the plus strand (T on the coding strand, the reverse complement: ELP1 is on the minus strand). VCF-style (leftmost placement, unchanged base first): chr9-108911100-C-CA. GRCh37 (hg19) VCF-style: chr9-111673380-C-CA.
Other names: c.927dup, p.Val310fs (NM_001318360.2); c.222dup, p.Val75fs (NM_001330749.2); short protein forms V310fs, V424fs, V75fs.
Identifiers: ClinVar variation 1072418 (VCV001072418.10), dbSNP rs2132013817, ClinGen allele CA2499219555.